The following is an entry in ClinVar:

ClinVar aggregate classification (germline): Uncertain significance (1 of 4 stars; one submission).

Allele frequency attached by ClinVar (database versions not stated): ExAC 0.00001; gnomAD 0.00001; TOPMed 0.00002; gnomAD exomes 0.00003.
gnomAD v4.1: 39 of 1,613,608 alleles (0.0024%); highest among the groups gnomAD compares: Non-Finnish European, 0.0033%; no homozygotes.

Submission:

Labcorp Genetics (formerly Invitae), Labcorp
Classification: Uncertain significance. Last evaluated: 2022-05-21. Review status: criteria provided, single submitter. Criteria: Invitae Variant Classification Sherloc (09022015). Collection method: clinical testing. Allele origin: germline.
Comment: This sequence change replaces methionine, which is neutral and non-polar, with threonine, which is neutral and polar, at codon 217 of the WNT2B protein (p.Met217Thr). This variant is present in population databases (rs754142898, gnomAD 0.003%). This variant has not been reported in the literature in individuals affected with WNT2B-related conditions. Algorithms developed to predict the effect of missense changes on protein structure and function (SIFT, PolyPhen-2, Align-GVGD) all suggest that this variant is likely to be disruptive. In summary, the available evidence is currently insufficient to determine the role of this variant in disease. Therefore, it has been classified as a Variant of Uncertain Significance.

NM_024494.3(WNT2B):c.650T>C (p.Met217Thr)

Gene: WNT2B (Wnt family member 2B; plus strand). Cytogenetic location: 1p13.2.
Variant type: single nucleotide variant.
Coding change: c.650T>C on transcript NM_024494.3 (MANE Select); coding-DNA position 650, T replaced by C.
Protein change: p.Met217Thr; replaces methionine 217 with threonine.
Molecular consequence: missense variant.
Genome position (GRCh38, 1-based): chr1:112,516,386, T>C. VCF-style: chr1-112516386-T-C. GRCh37 (hg19) VCF-style: chr1-113059008-T-C.
Other names: c.374T>C, p.Met125Thr (NM_001291880.1); c.593T>C, p.Met198Thr (NM_004185.4); short protein forms M125T, M217T, M198T.
Identifiers: ClinVar variation 1980120 (VCV001980120.1), dbSNP rs754142898, ClinGen allele CA1008306.